The following is an entry in ClinVar:

ClinVar aggregate classification (germline): Benign/Likely benign. Review status: criteria provided, multiple submitters, no conflicts (2 of 4 stars). 8 submissions from 8 submitters: Benign (4); Likely benign (3). 1 of the submissions does not count toward it. Last evaluated 2026-01-26.

Conditions:
Early-infantile DEE. Also called: Ohtahara syndrome; Early infantile epileptic encephalopathy; Early infantile epileptic encephalopathy with suppression bursts. Identifiers: Orphanet 1934, MedGen C0393706, MONDO:0800491.
Inborn genetic diseases. Identifiers: MedGen C0950123, MeSH D030342.
KCNQ2-Related Disorders. Also called: KCNQ2-related condition; KCNQ2-related disorder. Identifiers: MedGen CN169299.

Allele frequency attached by ClinVar (database versions not stated): gnomAD exomes 0.00050; ExAC 0.00051; 1000 Genomes Project 0.00140; 1000 Genomes Project 30x 0.00156; gnomAD 0.00166; TOPMed 0.00180; ESP Exome Variant Server 0.00185.
gnomAD v4.1: 535 of 1,613,498 alleles (0.033%); highest among the groups gnomAD compares: African/African-American, 0.62%; 3 homozygotes.

Submissions (8):

Labcorp Genetics (formerly Invitae), Labcorp
Classification: Benign for Early-infantile DEE. Last evaluated: 2026-01-26. Review status: criteria provided, single submitter. Criteria: Invitae Variant Classification Sherloc (09022015). Collection method: clinical testing. Allele origin: germline.

Blueprint Genetics
Classification: Likely benign. Last evaluated: 2024-11-27. Review status: criteria provided, single submitter. Criteria: ACMG Guidelines, 2015. Collection method: clinical testing. Allele origin: germline.

ARUP Laboratories, Molecular Genetics and Genomics, ARUP Laboratories
Classification: Benign. Last evaluated: 2024-10-11. Review status: criteria provided, single submitter. Criteria: ARUP Molecular Germline Variant Investigation Process 2024. Collection method: clinical testing. Allele origin: germline.

Eurofins Ntd Llc (ga)
Classification: Benign. Last evaluated: 2016-11-15. Review status: criteria provided, single submitter. Criteria: EGL Classification Definitions 2015. Collection method: clinical testing. Allele origin: germline. Observed: 1 variant allele, 1 heterozygote.

Ambry Genetics
Classification: Likely benign for Inborn genetic diseases. Last evaluated: 2016-07-11. Review status: criteria provided, single submitter. Criteria: Ambry Variant Classification Scheme 2023. Collection method: clinical testing. Allele origin: germline.

GeneDx
Classification: Benign. Last evaluated: 2014-04-04. Review status: criteria provided, single submitter. Criteria: GeneDx Variant Classification (06012015). Collection method: clinical testing. Allele origin: germline. Affected: yes.
Comment: This variant is considered likely benign or benign based on one or more of the following criteria: it is a conservative change, it occurs at a poorly conserved position in the protein, it is predicted to be benign by multiple in silico algorithms, and/or has population frequency not consistent with disease.

Breakthrough Genomics
Classification: Likely benign. Review status: criteria provided, single submitter. Criteria: ACMG Guidelines, 2015. Collection method: not provided. Allele origin: germline. Inheritance: Autosomal dominant inheritance. Affected: yes.

PreventionGenetics, part of Exact Sciences
Classification: Benign for KCNQ2-related condition. Last evaluated: 2019-05-01. Review status: no assertion criteria provided. Collection method: clinical testing. Allele origin: germline. Not counted in ClinVar's aggregate classification.
Comment: This variant is classified as benign based on ACMG/AMP sequence variant interpretation guidelines (Richards et al. 2015 PMID: 25741868, with internal and published modifications).

NM_172107.4(KCNQ2):c.303C>G (p.Leu101=)

Gene: KCNQ2 (potassium voltage-gated channel subfamily Q member 2; minus strand). Cytogenetic location: 20q13.33.
Variant type: single nucleotide variant.
Coding change: c.303C>G on transcript NM_172107.4 (MANE Select); coding-DNA position 303, C replaced by G.
Protein change: p.Leu101=; no amino-acid change (leucine 101 retained).
Molecular consequence: synonymous variant.
Genome position (GRCh38, 1-based): chr20:63,446,831, G>C on the plus strand (C>G on the coding strand, the complement: KCNQ2 is on the minus strand). VCF-style: chr20-63446831-G-C. GRCh37 (hg19) VCF-style: chr20-62078184-G-C.
Other names: p.L101L:CTC>CTG; c.303C>G, p.Leu101= (NM_004518.6, NM_172106.3, NM_172108.5 and 1 more transcripts); c.303C>G (NM_172107.3).
Identifiers: ClinVar variation 138014 (VCV000138014.26), dbSNP rs145415996, ClinGen allele CA291781.